The following is an entry in ClinVar:

NM_012387.3(PADI4):c.1047+8C>T

Gene: PADI4 (peptidyl arginine deiminase 4; plus strand). Cytogenetic location: 1p36.13.
Variant type: single nucleotide variant.
Coding change: c.1047+8C>T on transcript NM_012387.3 (MANE Select); 8 bases into the intron after coding-DNA position 1047, C replaced by T.
Molecular consequence: intron variant.
Genome position (GRCh38, 1-based): chr1:17,346,147, C>T. VCF-style: chr1-17346147-C-T. GRCh37 (hg19) VCF-style: chr1-17672642-C-T.
Identifiers: ClinVar variation 3057022 (VCV003057022.2), dbSNP rs41266003, ClinGen allele CA640744.

ClinVar aggregate classification (germline): Benign (0 of 4 stars; one submission).

Conditions:
PADI4-related disorder. Also called: PADI4-related condition.

Allele frequency attached by ClinVar (database versions not stated): 1000 Genomes Project 0.07488; 1000 Genomes Project 30x 0.07573; TOPMed 0.12956; gnomAD 0.14185; ExAC 0.15435; ESP Exome Variant Server 0.14701.
gnomAD v4.1: 293,544 of 1,576,120 alleles (19%); highest among the groups gnomAD compares: Non-Finnish European, 22%; 30,646 homozygotes.

Submission:

PreventionGenetics, part of Exact Sciences
Classification: Benign for PADI4-related condition. Last evaluated: 2019-10-28. Review status: no assertion criteria provided. Collection method: clinical testing. Allele origin: germline.
Comment: This variant is classified as benign based on ACMG/AMP sequence variant interpretation guidelines (Richards et al. 2015 PMID: 25741868, with internal and published modifications).